The following is an entry in ClinVar:

ClinVar aggregate classification (germline): Uncertain significance. Review status: criteria provided, multiple submitters, no conflicts (2 of 4 stars). 2 submissions from 2 submitters: Uncertain significance (2). Last evaluated 2024-11-13.

Conditions:
Inborn genetic diseases. Identifiers: MedGen C0950123, MeSH D030342.

Allele frequency attached by ClinVar (database versions not stated): TOPMed 0.00001.

Submissions (2):

Labcorp Genetics (formerly Invitae), Labcorp
Classification: Uncertain significance. Last evaluated: 2024-11-13. Review status: criteria provided, single submitter. Criteria: Invitae Variant Classification Sherloc (09022015). Collection method: clinical testing. Allele origin: germline.
Comment: This sequence change replaces valine, which is neutral and non-polar, with methionine, which is neutral and non-polar, at codon 1983 of the KMT2B protein (p.Val1983Met). This variant is not present in population databases (gnomAD no frequency). This variant has not been reported in the literature in individuals affected with KMT2B-related conditions. ClinVar contains an entry for this variant (Variation ID: 2300670). Invitae Evidence Modeling of protein sequence and biophysical properties (such as structural, functional, and spatial information, amino acid conservation, physicochemical variation, residue mobility, and thermodynamic stability) indicates that this missense variant is not expected to disrupt KMT2B protein function with a negative predictive value of 95%. In summary, the available evidence is currently insufficient to determine the role of this variant in disease. Therefore, it has been classified as a Variant of Uncertain Significance.

Ambry Genetics
Classification: Uncertain significance for Inborn genetic diseases. Last evaluated: 2022-07-12. Review status: criteria provided, single submitter. Criteria: Ambry Variant Classification Scheme 2023. Collection method: clinical testing. Allele origin: germline.

NM_014727.3(KMT2B):c.5947G>A (p.Val1983Met)

Gene: KMT2B (lysine methyltransferase 2B; plus strand). Cytogenetic location: 19q13.12.
Variant type: single nucleotide variant.
Coding change: c.5947G>A on transcript NM_014727.3 (MANE Select); coding-DNA position 5947, G replaced by A.
Protein change: p.Val1983Met; replaces valine 1983 with methionine.
Molecular consequence: missense variant.
Genome position (GRCh38, 1-based): chr19:35,732,496, G>A. VCF-style: chr19-35732496-G-A. GRCh37 (hg19) VCF-style: chr19-36223397-G-A.
Other names: short protein forms V1983M.
Identifiers: ClinVar variation 2300670 (VCV002300670.4), dbSNP rs1969745037, ClinGen allele CA405424723.